The following is an entry in ClinVar:

ClinVar aggregate classification (germline): Uncertain significance (1 of 4 stars; one submission).

Conditions:
Alzheimer disease. Also called: Presenile and senile dementia; Alzheimer's disease. Identifiers: Orphanet 1020, MedGen C0002395, MeSH D000544, MONDO:0004975, HP:0002511.

Allele frequency attached by ClinVar (database versions not stated): gnomAD exomes below 0.00001.
gnomAD v4.1: 3 of 1,613,732 alleles (0.00019%); highest among the groups gnomAD compares: Non-Finnish European, 0.00017%; no homozygotes.

Submission:

Labcorp Genetics (formerly Invitae), Labcorp
Classification: Uncertain significance for Alzheimer disease. Last evaluated: 2025-12-09. Review status: criteria provided, single submitter. Criteria: Invitae Variant Classification Sherloc (09022015). Collection method: clinical testing. Allele origin: germline.
Comment: This sequence change replaces alanine, which is neutral and non-polar, with valine, which is neutral and non-polar, at codon 400 of the APP protein (p.Ala400Val). This variant is present in population databases (no rsID available, gnomAD no frequency). This variant has not been reported in the literature in individuals affected with APP-related conditions. ClinVar contains an entry for this variant (Variation ID: 963922). Invitae Evidence Modeling of protein sequence and biophysical properties (such as structural, functional, and spatial information, amino acid conservation, physicochemical variation, residue mobility, and thermodynamic stability) indicates that this missense variant is not expected to disrupt APP protein function with a negative predictive value of 95%. In summary, the available evidence is currently insufficient to determine the role of this variant in disease. Therefore, it has been classified as a Variant of Uncertain Significance.

NM_000484.4(APP):c.1199C>T (p.Ala400Val)

Gene: APP (amyloid beta precursor protein; minus strand). Cytogenetic location: 21q21.3.
Variant type: single nucleotide variant.
Coding change: c.1199C>T on transcript NM_000484.4 (MANE Select); coding-DNA position 1199, C replaced by T.
Protein change: p.Ala400Val; replaces alanine 400 with valine.
Molecular consequence: missense variant.
Genome position (GRCh38, 1-based): chr21:25,982,369, G>A on the plus strand (C>T on the coding strand, the complement: APP is on the minus strand). VCF-style: chr21-25982369-G-A. GRCh37 (hg19) VCF-style: chr21-27354682-G-A.
Other names: c.1127C>T, p.Ala376Val (NM_001136016.3); c.806C>T, p.Ala269Val (NM_001136129.3); c.1031C>T, p.Ala344Val (NM_001136130.3, NM_001385253.1); c.869C>T, p.Ala290Val (NM_001136131.3); c.1199C>T, p.Ala400Val (NM_001204301.2); c.1142C>T, p.Ala381Val (NM_001204302.2, NM_201413.3); c.974C>T, p.Ala325Val (NM_001204303.2, NM_201414.3); short protein forms A376V, A269V, A290V, A325V, A344V, A381V, A400V.
Identifiers: ClinVar variation 963922 (VCV000963922.10), dbSNP rs1334791875, ClinGen allele CA409810527.
Genomic context (GRCh38, chr21:25,982,369, plus strand): 5'-ATCGTAGGGCTGAATGATGGAAGAGCCAGACTTACCTGGGACATTCTCTCTCGGTGCTTG[G>A]CCTCAAGCCTCTCTTTGGCTTTCTGGAAATGGGCATGTTCATTCTCATCCCCAGGTGTCT-3'
Protein context (NP_000475.1, residues 390-410): HFQKAKERLE[Ala400Val]KHRERMSQVM